The following is an entry in ClinVar:

NM_005502.4(ABCA1):c.1733C>G (p.Pro578Arg)

Gene: ABCA1 (ATP binding cassette subfamily A member 1; minus strand). Cytogenetic location: 9q31.1.
Variant type: single nucleotide variant.
Coding change: c.1733C>G on transcript NM_005502.4 (MANE Select); coding-DNA position 1733, C replaced by G.
Protein change: p.Pro578Arg; replaces proline 578 with arginine.
Molecular consequence: missense variant.
Genome position (GRCh38, 1-based): chr9:104,831,084, G>C on the plus strand (C>G on the coding strand, the complement: ABCA1 is on the minus strand). VCF-style: chr9-104831084-G-C. GRCh37 (hg19) VCF-style: chr9-107593365-G-C.
Other names: c.1733C>G (NM_005502.3); short protein forms P578R.
Identifiers: ClinVar variation 3717334 (VCV003717334.3).

ClinVar aggregate classification (germline): Uncertain significance. Review status: criteria provided, multiple submitters, no conflicts (2 of 4 stars). 2 submissions from 2 submitters: Uncertain significance (2). Last evaluated 2026-04-22.

Conditions:
Cardiovascular phenotype. Identifiers: MedGen CN230736.

Submissions (2):

Ambry Genetics
Classification: Uncertain significance for Cardiovascular phenotype. Last evaluated: 2026-04-22. Review status: criteria provided, single submitter. Criteria: Ambry Variant Classification Scheme 2023. Collection method: clinical testing. Allele origin: germline.

Labcorp Genetics (formerly Invitae), Labcorp
Classification: Uncertain significance. Last evaluated: 2024-09-15. Review status: criteria provided, single submitter. Criteria: Invitae Variant Classification Sherloc (09022015). Collection method: clinical testing. Allele origin: germline.
Comment: This sequence change replaces proline, which is neutral and non-polar, with arginine, which is basic and polar, at codon 578 of the ABCA1 protein (p.Pro578Arg). This variant is not present in population databases (gnomAD no frequency). This missense change has been observed in individual(s) with Tangier disease (internal data). In at least one individual the data is consistent with being in trans (on the opposite chromosome) from a pathogenic variant. Invitae Evidence Modeling of protein sequence and biophysical properties (such as structural, functional, and spatial information, amino acid conservation, physicochemical variation, residue mobility, and thermodynamic stability) indicates that this missense variant is expected to disrupt ABCA1 protein function with a positive predictive value of 80%. In summary, the available evidence is currently insufficient to determine the role of this variant in disease. Therefore, it has been classified as a Variant of Uncertain Significance.